The following is an entry in ClinVar:

ClinVar aggregate classification (germline): Uncertain significance (1 of 4 stars; one submission).

Conditions:
Meckel-Gruber syndrome. Also called: Dysencephalia splachnocystica; DYSENCEPHALIA SPLANCHNOCYSTICA; GRUBER SYNDROME. Identifiers: Orphanet 564, MedGen C0265215, MONDO:0018921.
Joubert syndrome. Also called: Familial aplasia of the vermis; JOUBERT-BOLTSHAUSER SYNDROME. Identifiers: Orphanet 475, MedGen C5979921, MONDO:0018772.

Allele frequency attached by ClinVar (database versions not stated): gnomAD exomes 0.00001.

Submission:

Labcorp Genetics (formerly Invitae), Labcorp
Classification: Uncertain significance for Joubert syndrome; Meckel-Gruber syndrome. Last evaluated: 2021-08-30. Review status: criteria provided, single submitter. Criteria: Invitae Variant Classification Sherloc (09022015). Collection method: clinical testing. Allele origin: germline.
Comment: This sequence change replaces histidine with glutamine at codon 393 of the CC2D2A protein (p.His393Gln). The histidine residue is moderately conserved and there is a small physicochemical difference between histidine and glutamine. This variant is not present in population databases (ExAC no frequency). This variant has not been reported in the literature in individuals affected with CC2D2A-related conditions. Algorithms developed to predict the effect of missense changes on protein structure and function output the following: SIFT: "Tolerated"; PolyPhen-2: "Benign"; Align-GVGD: "Class C0". The glutamine amino acid residue is found in multiple mammalian species, which suggests that this missense change does not adversely affect protein function. In summary, the available evidence is currently insufficient to determine the role of this variant in disease. Therefore, it has been classified as a Variant of Uncertain Significance.

NM_001378615.1(CC2D2A):c.1179T>G (p.His393Gln)

Genes: CC2D2A (coiled-coil and C2 domain containing 2A; plus strand), FBXL5 (F-box and leucine rich repeat protein 5; minus strand). Cytogenetic location: 4p15.32.
Variant type: single nucleotide variant.
Coding change: c.1179T>G on transcript NM_001378615.1 (MANE Select); coding-DNA position 1179, T replaced by G.
Protein change: p.His393Gln; replaces histidine 393 with glutamine.
Molecular consequence: missense variant.
Genome position (GRCh38, 1-based): chr4:15,527,476, T>G. VCF-style: chr4-15527476-T-G. GRCh37 (hg19) VCF-style: chr4-15529099-T-G.
Other names: c.1179T>G, p.His393Gln (NM_001080522.2); c.1032T>G, p.His344Gln (NM_001378617.1); short protein forms H344Q, H393Q.
Identifiers: ClinVar variation 954555 (VCV000954555.7), dbSNP rs368203865, ClinGen allele CA356410171.